The following is an entry in ClinVar:

ClinVar aggregate classification (germline): Uncertain significance (1 of 4 stars; one submission).

Allele frequency attached by ClinVar (database versions not stated): gnomAD exomes below 0.00001.

Submission:

Labcorp Genetics (formerly Invitae), Labcorp
Classification: Uncertain significance. Last evaluated: 2022-01-12. Review status: criteria provided, single submitter. Criteria: Invitae Variant Classification Sherloc (09022015). Collection method: clinical testing. Allele origin: germline.
Comment: This variant has not been reported in the literature in individuals affected with SLC18A3-related conditions. In summary, the available evidence is currently insufficient to determine the role of this variant in disease. Therefore, it has been classified as a Variant of Uncertain Significance. Algorithms developed to predict the effect of missense changes on protein structure and function (SIFT, PolyPhen-2, Align-GVGD) all suggest that this variant is likely to be tolerated. This variant is present in population databases (no rsID available, gnomAD 0.0009%). This sequence change replaces leucine, which is neutral and non-polar, with valine, which is neutral and non-polar, at codon 355 of the SLC18A3 protein (p.Leu355Val).

NM_003055.3(SLC18A3):c.1063C>G (p.Leu355Val)

Genes: CHAT (choline O-acetyltransferase; plus strand), SLC18A3 (solute carrier family 18 member A3; plus strand). Cytogenetic location: 10q11.23.
Variant type: single nucleotide variant.
Coding change: c.1063C>G on transcript NM_003055.3 (MANE Select); coding-DNA position 1063, C replaced by G.
Protein change: p.Leu355Val; replaces leucine 355 with valine.
Molecular consequence: missense variant. On other transcripts: intron variant (1).
Genome position (GRCh38, 1-based): chr10:49,611,803, C>G. VCF-style: chr10-49611803-C-G. GRCh37 (hg19) VCF-style: chr10-50819849-C-G.
Other names: c.-69+2604C>G (NM_020984.4); short protein forms L355V.
Identifiers: ClinVar variation 2080794 (VCV002080794.4), dbSNP rs1490669105, ClinGen allele CA376721971.
Genomic context (GRCh38, chr10:49,611,803, plus strand): 5'-TTCGTGCCTCATGTGCTGGGCGTCTACCTCACCGTGCGCCTGGCGGCGCGCTACCCACAC[C>G]TGCAGTGGCTGTACGGCGCGCTTGGGCTGGCTGTGATCGGCGCCAGCTCGTGCATCGTGC-3'
Protein context (NP_003046.2, residues 345-365): TVRLAARYPH[Leu355Val]QWLYGALGLA